The following is an entry in ClinVar:

NM_000089.4(COL1A2):c.378+6T>C

Gene: COL1A2 (collagen type I alpha 2 chain; plus strand). Cytogenetic location: 7q21.3.
Variant type: single nucleotide variant.
Coding change: c.378+6T>C on transcript NM_000089.4 (MANE Select); 6 bases into the intron after coding-DNA position 378, T replaced by C.
Molecular consequence: intron variant.
Genome position (GRCh38, 1-based): chr7:94,404,752, T>C. VCF-style: chr7-94404752-T-C. GRCh37 (hg19) VCF-style: chr7-94034064-T-C.
Identifiers: ClinVar variation 380763 (VCV000380763.19), dbSNP rs752336890, ClinGen allele CA4346639.

ClinVar aggregate classification (germline): Uncertain significance. Review status: criteria provided, multiple submitters, no conflicts (2 of 4 stars). 5 submissions from 5 submitters: Uncertain significance (5). Last evaluated 2026-06-08.

Conditions:
Osteogenesis imperfecta type I (OI1). Also called: Lobstein's Disease; Classic Non-deforming Osteogenesis Imperfecta with Blue Sclerae; Lobstein disease; OI, TYPE I; OSTEOGENESIS IMPERFECTA TARDA; OSTEOGENESIS IMPERFECTA WITH BLUE SCLERAE. Identifiers: Orphanet 216796, Orphanet 666, MedGen C0023931, MONDO:0008146, OMIM 166200. Disease mechanism: loss of function.
Ehlers-Danlos syndrome, classic type, 1 (EDSCL1). Also called: EHLERS-DANLOS SYNDROME, GRAVIS TYPE; EHLERS-DANLOS SYNDROME, SEVERE CLASSIC TYPE; Ehlers-Danlos syndrome, type 1; Ehlers-Danlos Syndrome, Classic Type, COL5A1-Related; EDS I. Identifiers: MedGen C0268335, MONDO:0019567, OMIM 130000.

Allele frequency attached by ClinVar (database versions not stated): gnomAD 0.00003 and 0.00004; TOPMed 0.00004; gnomAD exomes 0.00005 and 0.00010; ExAC 0.00007.
gnomAD v4.1: 82 of 1,614,018 alleles (0.0051%); highest among the groups gnomAD compares: Non-Finnish European, 0.00085%; no homozygotes.

Submissions (5):

Women's Health and Genetics/Laboratory Corporation of America, LabCorp
Classification: Uncertain significance. Last evaluated: 2026-06-08. Review status: criteria provided, single submitter. Criteria: LabCorp Variant Classification Summary - May 2015. Collection method: clinical testing. Allele origin: germline.

Labcorp Genetics (formerly Invitae), Labcorp
Classification: Uncertain significance for Osteogenesis imperfecta type I; Ehlers-Danlos syndrome, classic type, 1. Last evaluated: 2025-08-19. Review status: criteria provided, single submitter. Criteria: Invitae Variant Classification Sherloc (09022015). Collection method: clinical testing. Allele origin: germline.
Comment: This sequence change falls in intron 8 of the COL1A2 gene. It does not directly change the encoded amino acid sequence of the COL1A2 protein. It affects a nucleotide within the consensus splice site. This variant is present in population databases (rs752336890, gnomAD 0.2%). This variant has not been reported in the literature in individuals affected with COL1A2-related conditions. ClinVar contains an entry for this variant (Variation ID: 380763). Variants that disrupt the consensus splice site are a relatively common cause of aberrant splicing (PMID: 17576681, 9536098). Algorithms developed to predict the effect of sequence changes on RNA splicing suggest that this variant is not likely to affect RNA splicing. In summary, the available evidence is currently insufficient to determine the role of this variant in disease. Therefore, it has been classified as a Variant of Uncertain Significance.

Blueprint Genetics
Classification: Uncertain significance. Last evaluated: 2023-09-01. Review status: criteria provided, single submitter. Criteria: ACMG Guidelines, 2015. Collection method: clinical testing. Allele origin: germline.

GeneDx
Classification: Uncertain significance. Last evaluated: 2020-12-29. Review status: criteria provided, single submitter. Criteria: GeneDx Variant Classification Process June 2021. Collection method: clinical testing. Allele origin: germline. Affected: yes.
Comment: Has not been previously published as pathogenic or benign to our knowledge; In silico analysis, which includes splice predictors and evolutionary conservation, supports a deleterious effect; Reported in ClinVar as a variant of uncertain significance (ClinVar Variant ID# 380763; Landrum et al., 2016)

Mayo Clinic Laboratories, Mayo Clinic
Classification: Uncertain significance. Last evaluated: 2020-09-29. Review status: criteria provided, single submitter. Criteria: ACMG Guidelines, 2015. Collection method: clinical testing. Allele origin: germline. Observed: 1 variant allele.

Literature cited by the submitters: PubMed 17576681 (cited by Labcorp Genetics (formerly Invitae), Labcorp); PubMed 9536098 (cited by Labcorp Genetics (formerly Invitae), Labcorp).